The following is an entry in ClinVar:

NM_020436.5(SALL4):c.1318del (p.Gln440fs)

Gene: SALL4 (spalt like transcription factor 4; minus strand). Cytogenetic location: 20q13.2.
Variant type: Deletion.
Coding change: c.1318del on transcript NM_020436.5 (MANE Select); coding-DNA position 1318, one base deleted (C; older notation c.1318delC).
Protein change: p.Gln440fs; shifts the reading frame from glutamine 440.
Molecular consequence: frameshift variant. On other transcripts: intron variant (1).
Genome position (GRCh38, 1-based): chr20:51,791,165, G deleted on the plus strand (C on the coding strand, the reverse complement: SALL4 is on the minus strand); the first of 5 consecutive G bases (chr20:51,791,165-51,791,169); deleting any one gives the same sequence. VCF-style (leftmost placement, unchanged base first): chr20-51791164-TG-T. GRCh37 (hg19) VCF-style: chr20-50407703-TG-T.
Other names: p.Gln440SerfsTer26; c.1150+168del (NM_001318031.2); short protein forms Q440fs.
Identifiers: ClinVar variation 4820340 (VCV004820340.1).

ClinVar aggregate classification (germline): Likely pathogenic (1 of 4 stars; one submission).

Conditions:
Congenital anomaly of kidney and urinary tract. Also called: Congenital anomalies of the kidney and urinary tract; Congenital anomalies of kidney and urinary tract. Identifiers: Orphanet 93545, MedGen C1968949, MeSH C566906, MONDO:0019719.
Congenital heart disease (CHD). Identifiers: MedGen C0152021, MONDO:0005453. Disease mechanism: unknown.

Submission:

Institute Of Molecular Biology And Genetics, Federal Almazov National Medical Research Centre
Classification: Likely pathogenic for Congenital heart disease; Congenital anomaly of kidney and urinary tract. Last evaluated: 2026-04-01. Review status: criteria provided, single submitter. Criteria: ACMG Guidelines, 2015. Collection method: clinical testing. Allele origin: germline. Affected: yes. Observed: 1 variant allele.
Comment: The variant NM_020436.5:c.1318del is a frameshift variant in SALL4 gene which is predicted to produce a premature termination codon (p.Gln440SerfsTer26), and likely results in an absent or disrupted protein product (PVS1). Loss-of-function is a known mechanism for SALL4-related syndromic conditions. As part of these syndromes, various renal abnormalities and cardiac defects have been repeatedly reported (PMID: 20301547). The variant c.1318del is absent in population databases (no allele frequency in gnomAD) (PM2), and, to our knowledge, has not been previously reported either in ClinVar, or in the literature.